The following is an entry in ClinVar:

ClinVar aggregate classification (germline): Benign/Likely benign. Review status: criteria provided, multiple submitters, no conflicts (2 of 4 stars). 9 submissions from 8 submitters: Benign (7); Likely benign (2). Last evaluated 2026-02-04.

Conditions:
Glucocorticoid-remediable aldosteronism. Also called: Hyperaldosteronism, familial, type I; ACTH-DEPENDENT HYPERALDOSTERONISM SYNDROME; ALDOSTERONISM, SENSITIVE TO DEXAMETHASONE; FH I; GLUCOCORTICOID-SUPPRESSIBLE HYPERALDOSTERONISM. Identifiers: Orphanet 403, MedGen C3838731, MONDO:0007080, OMIM 103900.
Deficiency of steroid 11-beta-monooxygenase (CYP11B1). Also called: Congenital adrenal hyperplasia due to 11-beta-hydroxylase deficiency; ADRENAL HYPERPLASIA IV; ADRENAL HYPERPLASIA, CONGENITAL, DUE TO STEROID 11-BETA-HYDROXYLASE DEFICIENCY; 11-BETA-HYDROXYLASE DEFICIENCY; P450C11B1 DEFICIENCY; STEROID 11-BETA-HYDROXYLASE DEFICIENCY. Identifiers: Orphanet 90795, MedGen C0268292, MONDO:0008729, OMIM 202010. Disease mechanism: loss of function.

Allele frequency attached by ClinVar (database versions not stated): ESP Exome Variant Server 0.02084; gnomAD 0.03864 and 0.04800; gnomAD exomes 0.04167 and 0.08449; TOPMed 0.05067; ExAC 0.08037; 1000 Genomes Project 30x 0.13819; 1000 Genomes Project 0.14716.

Submissions (9):

Labcorp Genetics (formerly Invitae), Labcorp
Classification: Benign. Last evaluated: 2026-02-04. Review status: criteria provided, single submitter. Criteria: Invitae Variant Classification Sherloc (09022015). Collection method: clinical testing. Allele origin: germline.

Athena Diagnostics
Classification: Benign. Last evaluated: 2025-01-13. Review status: criteria provided, single submitter. Criteria: Athena Diagnostics Criteria. Collection method: clinical testing. Allele origin: unknown.
Comment: The frequency of this variant in the general population is higher than would generally be expected for pathogenic variants in this gene.

Blueprint Genetics
Classification: Benign. Last evaluated: 2024-11-27. Review status: criteria provided, single submitter. Criteria: ACMG Guidelines, 2015. Collection method: clinical testing. Allele origin: germline.

Mayo Clinic Laboratories, Mayo Clinic
Classification: Benign. Last evaluated: 2022-11-14. Review status: criteria provided, single submitter. Criteria: ACMG Guidelines, 2015. Collection method: clinical testing. Allele origin: germline. Observed: 13 variant alleles.
Comment: BA1, BP4

Women's Health and Genetics/Laboratory Corporation of America, LabCorp
Classification: Likely benign. Last evaluated: 2021-12-10. Review status: criteria provided, single submitter. Criteria: LabCorp Variant Classification Summary - May 2015. Collection method: clinical testing. Allele origin: germline.

Department of Human Genetics, Laborarztpraxis Dres. Walther, Weindel und Kollegen
Classification: Benign for Deficiency of steroid 11-beta-monooxygenase. Last evaluated: 2020-04-17. Review status: criteria provided, single submitter. Criteria: ACMG Guidelines, 2015. Collection method: clinical testing. Allele origin: germline. Affected: yes.
Comment: Due to the increased occurrence of the mutation (>= 5%), this variant is classified as benign. The carrier frequency in population of East Asian (about 40%) is not consistent with disease. Moreover this variant is predicted to be benign by multiple in silico algorithms.

Illumina Laboratory Services, Illumina
Classification: Benign for Glucocorticoid-remediable aldosteronism. Last evaluated: 2017-04-27. Review status: criteria provided, single submitter. Criteria: ICSL Variant Classification Criteria 13 December 2019. Collection method: clinical testing. Allele origin: germline.
Comment: This variant was observed as part of a predisposition screen in an ostensibly healthy population. A literature search was performed for the gene, cDNA change, and amino acid change (where applicable). No publications were found based on this search. Allele frequency data from public databases was too high to be consistent with this variant causing disease. Therefore, this variant is classified as benign.

Illumina Laboratory Services, Illumina
Classification: Benign for Deficiency of steroid 11-beta-monooxygenase. Last evaluated: 2017-04-27. Review status: criteria provided, single submitter. Criteria: ICSL Variant Classification Criteria 13 December 2019. Collection method: clinical testing. Allele origin: germline.
Comment: This variant was observed as part of a predisposition screen in an ostensibly healthy population. A literature search was performed for the gene, cDNA change, and amino acid change (where applicable). Publications were found based on this search. The evidence from the literature, in combination with allele frequency data from public databases where available, was sufficient to rule this variant out of causing disease. Therefore, this variant is classified as benign.

Breakthrough Genomics
Classification: Likely benign. Review status: criteria provided, single submitter. Criteria: ACMG Guidelines, 2015. Collection method: not provided. Allele origin: germline. Inheritance: Autosomal recessive inheritance. Affected: yes.

Literature cited by the submitters: PubMed 20089618 (cited by 3 submitters); PubMed 17121536 (cited by Athena Diagnostics and Women's Health and Genetics/Laboratory Corporation of America, LabCorp); PubMed 26956189 (cited by Athena Diagnostics); PubMed 23291679 (cited by Athena Diagnostics); PubMed 27376426 (cited by Athena Diagnostics); PubMed 15807871 (cited by Athena Diagnostics and Women's Health and Genetics/Laboratory Corporation of America, LabCorp); PubMed 11549691 (cited by Women's Health and Genetics/Laboratory Corporation of America, LabCorp); PubMed 9435454 (cited by Women's Health and Genetics/Laboratory Corporation of America, LabCorp); PubMed 7903314 (cited by Women's Health and Genetics/Laboratory Corporation of America, LabCorp); PubMed 17296872 (cited by Women's Health and Genetics/Laboratory Corporation of America, LabCorp).

NM_000497.4(CYP11B1):c.128G>A (p.Arg43Gln)

Gene: CYP11B1 (cytochrome P450 family 11 subfamily B member 1; minus strand). Cytogenetic location: 8q24.3.
Variant type: single nucleotide variant.
Coding change: c.128G>A on transcript NM_000497.4 (MANE Select); coding-DNA position 128, G replaced by A.
Protein change: p.Arg43Gln; replaces arginine 43 with glutamine.
Molecular consequence: missense variant.
Genome position (GRCh38, 1-based): chr8:142,879,686, C>T on the plus strand (G>A on the coding strand, the complement: CYP11B1 is on the minus strand). VCF-style: chr8-142879686-C-T. GRCh37 (hg19) VCF-style: chr8-143961102-C-T.
Other names: c.128G>A, p.Arg43Gln (NM_001026213.1); short protein forms R43Q.
Identifiers: ClinVar variation 362170 (VCV000362170.21), dbSNP rs4534, ClinGen allele CA4905708.